The following is an entry in ClinVar:

ClinVar aggregate classification (germline): Likely pathogenic (1 of 4 stars; one submission).
ClinVar aggregate classification (somatic clinical impact): Tier I - Strong (1 of 4 stars; one submission).

Conditions:
Medulloblastoma WNT activated. Identifiers: MedGen C4331965, MONDO:0850196.

Submissions (2):

Institute for Genomic Medicine (IGM) Clinical Laboratory, Nationwide Children's Hospital
Classification: Tier I - Strong for Medulloblastoma WNT activated. Assertion type: diagnostic. Clinical significance: supports diagnosis. Last evaluated: 2024-10-03. Review status: criteria provided, single submitter. Criteria: AMP/ASCO/CAP Guidelines, 2017. Collection method: clinical testing. Allele origin: somatic. Affected: yes.
Comment: Variant has Tier I (strong) clinical significance as a diagnostic inclusion criterion in medulloblastoma WNT activated, based on the following evidence: 1) Appears in one or more well-established professional guidelines (e.g., World Health Organization [WHO]; National Comprehensive Cancer Network [NCCN]) as providing diagnostic, prognostic, or therapeutic information. 2) Information in the literature supports potential biologic effect of variant (PMIDs: 38057330, 32135084, 37422363, 21779027). 3) Diagnostic for a specific tumor type/classification based on well-powered studies with expert-level consensus (Evidence Level B; PMIDs: 22832583, 22722829, 28726821, 22820256).

GeneDx
Classification: Likely pathogenic. Last evaluated: 2016-02-02. Review status: criteria provided, single submitter. Criteria: GeneDx Variant Classification (06012015). Collection method: clinical testing. Allele origin: germline. Affected: yes.
Comment: The T323I variant in the DDX3X gene has not been reported previously as a pathogenic variant, nor as a benign variant, to our knowledge. The T323I variant was not observed in approximately 6500 individuals of European and African American ancestry in the NHLBI Exome Sequencing Project, indicating it is not a common benign variant in these populations. The T323I variant is a non-conservative amino acid substitution, which is likely to impact secondary protein structure as these residues differ in polarity, charge, size and/or other properties. This substitution occurs at a position that is conserved across species. In silico analysis predicts this variant is probably damaging to the protein structure/function. The T323I variant is within the helicase ATP-binding domain of the protein. The T323I variant is a strong candidate for a pathogenic variant.

Literature cited by the submitters: PubMed 38057330 (cited by Institute for Genomic Medicine (IGM) Clinical Laboratory, Nationwide Children's Hospital); PubMed 32135084 (cited by Institute for Genomic Medicine (IGM) Clinical Laboratory, Nationwide Children's Hospital); PubMed 37422363 (cited by Institute for Genomic Medicine (IGM) Clinical Laboratory, Nationwide Children's Hospital); PubMed 21779027 (cited by Institute for Genomic Medicine (IGM) Clinical Laboratory, Nationwide Children's Hospital); PubMed 22832583 (cited by Institute for Genomic Medicine (IGM) Clinical Laboratory, Nationwide Children's Hospital); PubMed 22722829 (cited by Institute for Genomic Medicine (IGM) Clinical Laboratory, Nationwide Children's Hospital); PubMed 28726821 (cited by Institute for Genomic Medicine (IGM) Clinical Laboratory, Nationwide Children's Hospital); PubMed 22820256 (cited by Institute for Genomic Medicine (IGM) Clinical Laboratory, Nationwide Children's Hospital).

NM_001356.5(DDX3X):c.968C>T (p.Thr323Ile)

Gene: DDX3X (DEAD-box helicase 3 X-linked; plus strand). Cytogenetic location: Xp11.4.
Variant type: single nucleotide variant.
Coding change: c.968C>T on transcript NM_001356.5 (MANE Select); coding-DNA position 968, C replaced by T.
Protein change: p.Thr323Ile; replaces threonine 323 with isoleucine.
Molecular consequence: missense variant. On other transcripts: non-coding transcript variant (1).
Genome position (GRCh38, 1-based): chrX:41,344,342, C>T. VCF-style: chrX-41344342-C-T. GRCh37 (hg19) VCF-style: chrX-41203595-C-T.
Other names: c.968C>T, p.Thr323Ile (NM_001193416.3); c.920C>T, p.Thr307Ile (NM_001193417.3); c.410C>T, p.Thr137Ile (NM_001363819.1); short protein forms T323I, T137I, T307I.
Identifiers: ClinVar variation 383373 (VCV000383373.3), dbSNP rs1057521603, ClinGen allele CA16608468.